The following is an entry in ClinVar:

ClinVar aggregate classification (germline): Conflicting classifications of pathogenicity. Review status: criteria provided, conflicting classifications (1 of 4 stars). 4 submissions from 4 submitters: Uncertain significance (1); Benign (1); Likely benign (2). Last evaluated 2025-07-30.

Conditions:
Pheochromocytoma/paraganglioma syndrome 3. Also called: SDHC-Related Hereditary Paraganglioma-Pheochromocytoma Syndrome (Paragangliomas 3); GLOMUS TUMORS, FAMILIAL, 3; SDHC-Related Hereditary Paraganglioma-Pheochromocytoma Syndrome; Paragangliomas 3. Identifiers: Orphanet 29072, MedGen C1854336, MONDO:0011544, OMIM 605373.
Gastrointestinal stromal tumor. Also called: Gastrointestinal stroma tumor; Gastrointestinal stromal tumor, somatic. Identifiers: Orphanet 44890, MedGen C0238198, MeSH D046152, MONDO:0011719, OMIM 606764, HP:0100723.
Hereditary cancer-predisposing syndrome. Also called: Tumor predisposition; Hereditary neoplastic syndrome; Neoplastic Syndromes, Hereditary; Hereditary Cancer Syndrome. Identifiers: Orphanet 140162, MedGen C0027672, MeSH D009386, MONDO:0015356.

Allele frequency attached by ClinVar (database versions not stated): TOPMed 0.00001.

Submissions (4):

Labcorp Genetics (formerly Invitae), Labcorp
Classification: Likely benign for Pheochromocytoma/paraganglioma syndrome 3; Gastrointestinal stromal tumor. Last evaluated: 2025-07-30. Review status: criteria provided, single submitter. Criteria: Invitae Variant Classification Sherloc (09022015). Collection method: clinical testing. Allele origin: germline.

Myriad Genetics, Inc.
Classification: Benign for Pheochromocytoma/paraganglioma syndrome 3. Last evaluated: 2025-03-14. Review status: criteria provided, single submitter. Criteria: Myriad Autosomal Dominant, Autosomal Recessive and X-Linked Classification Criteria (2023). Collection method: clinical testing. Allele origin: unknown.
Comment: This variant is considered benign. This variant is a silent/synonymous amino acid change and it is not expected to impact splicing.

Women's Health and Genetics/Laboratory Corporation of America, LabCorp
Classification: Uncertain significance. Last evaluated: 2024-12-16. Review status: criteria provided, single submitter. Criteria: LabCorp Variant Classification Summary - May 2015. Collection method: clinical testing. Allele origin: germline.
Comment: Variant summary: SDHC c.282G>T alters a conserved nucleotide resulting in a synonymous change. Computational tools predict a significant impact on normal splicing: Three predict the variant creates a cryptic 5' donor site. However, these predictions have yet to be confirmed by functional studies. The variant was absent in 248942 control chromosomes (gnomAD). The available data on variant occurrences in the general population are insufficient to allow any conclusion about variant significance. To our knowledge, no occurrence of c.282G>T in individuals affected with Hereditary Paraganglioma-Pheochromocytoma Syndrome and no experimental evidence demonstrating its impact on protein function have been reported. ClinVar contains an entry for this variant (Variation ID: 465970). Based on the evidence outlined above, the variant was classified as uncertain significance.

Ambry Genetics
Classification: Likely benign for Hereditary cancer-predisposing syndrome. Last evaluated: 2021-07-19. Review status: criteria provided, single submitter. Criteria: Ambry Variant Classification Scheme 2023. Collection method: clinical testing. Allele origin: germline.

NM_003001.5(SDHC):c.282G>T (p.Gly94=)

Gene: SDHC (succinate dehydrogenase complex subunit C; plus strand). Cytogenetic location: 1q23.3.
Variant type: single nucleotide variant.
Coding change: c.282G>T on transcript NM_003001.5 (MANE Select); coding-DNA position 282, G replaced by T.
Protein change: p.Gly94=; no amino-acid change (glycine 94 retained).
Molecular consequence: synonymous variant. On other transcripts: non-coding transcript variant (1), intron variant (3).
Genome position (GRCh38, 1-based): chr1:161,356,717, G>T. VCF-style: chr1-161356717-G-T. GRCh37 (hg19) VCF-style: chr1-161326507-G-T.
Other names: c.180G>T, p.Gly60= (NM_001035512.3); c.123G>T, p.Gly41= (NM_001035513.3); c.402G>T, p.Gly134= (NM_001407115.1); c.225G>T, p.Gly75= (NM_001407116.1); c.219G>T, p.Gly73= (NM_001407117.1); c.174G>T, p.Gly58= (NM_001407118.1); c.171G>T, p.Gly57= (NM_001407119.1, NM_001407120.1); c.242-5612G>T (NM_001035511.3); and 2 more.
Identifiers: ClinVar variation 465970 (VCV000465970.12), dbSNP rs536197277, ClinGen allele CA421501028.